The following is an entry in ClinVar:

ClinVar aggregate classification (germline): Conflicting classifications of pathogenicity. Review status: criteria provided, conflicting classifications (1 of 4 stars). 2 submissions from 2 submitters: Uncertain significance (1); Benign (1). Last evaluated 2024-12-31.

Conditions:
Primary ciliary dyskinesia. Also called: Ciliary dyskinesia. Identifiers: Orphanet 244, MedGen C0008780, MONDO:0016575, HP:0012265.

Allele frequency attached by ClinVar (database versions not stated): gnomAD exomes below 0.00001; ExAC 0.00001; gnomAD 0.00001.
gnomAD v4.1: 3 of 1,611,208 alleles (0.00019%); highest among the groups gnomAD compares: East Asian, 0.0067%; no homozygotes.

Submissions (2):

Ambry Genetics
Classification: Uncertain significance for Primary ciliary dyskinesia. Last evaluated: 2024-12-31. Review status: criteria provided, single submitter. Criteria: Ambry Variant Classification Scheme 2023. Collection method: clinical testing. Allele origin: germline.
Comment: The p.I396N variant (also known as c.1187T>A), located in coding exon 6 of the DNAH11 gene, results from a T to A substitution at nucleotide position 1187. The isoleucine at codon 396 is replaced by asparagine, an amino acid with dissimilar properties. This amino acid position is conserved. In addition, the in silico prediction for this alteration is inconclusive. Based on the available evidence, the clinical significance of this variant remains unclear.

Labcorp Genetics (formerly Invitae), Labcorp
Classification: Benign for Primary ciliary dyskinesia. Last evaluated: 2024-01-17. Review status: criteria provided, single submitter. Criteria: Invitae Variant Classification Sherloc (09022015). Collection method: clinical testing. Allele origin: germline.

NM_001277115.2(DNAH11):c.1187T>A (p.Ile396Asn)

Gene: DNAH11 (dynein axonemal heavy chain 11; plus strand). Cytogenetic location: 7p15.3.
Variant type: single nucleotide variant.
Coding change: c.1187T>A on transcript NM_001277115.2 (MANE Select); coding-DNA position 1187, T replaced by A.
Protein change: p.Ile396Asn; replaces isoleucine 396 with asparagine.
Molecular consequence: missense variant.
Genome position (GRCh38, 1-based): chr7:21,564,390, T>A. VCF-style: chr7-21564390-T-A. GRCh37 (hg19) VCF-style: chr7-21604008-T-A.
Other names: c.1187T>A, p.Ile396Asn (NM_003777.3); c.1187T>A (NM_001277115.1); short protein forms I396N.
Identifiers: ClinVar variation 2726766 (VCV002726766.4), dbSNP rs763405163, ClinGen allele CA4178921.